The following is an entry in ClinVar:

NM_014425.5(INVS):c.833A>G (p.Asn278Ser)

Gene: INVS (inversin; plus strand). Cytogenetic location: 9q31.1.
Variant type: single nucleotide variant.
Coding change: c.833A>G on transcript NM_014425.5 (MANE Select); coding-DNA position 833, A replaced by G.
Protein change: p.Asn278Ser; replaces asparagine 278 with serine.
Molecular consequence: missense variant. On other transcripts: 5 prime UTR variant (1), non-coding transcript variant (1).
Genome position (GRCh38, 1-based): chr9:100,242,606, A>G. VCF-style: chr9-100242606-A-G. GRCh37 (hg19) VCF-style: chr9-103004888-A-G.
Other names: c.545A>G, p.Asn182Ser (NM_001318381.2); c.-157A>G (NM_001318382.2); c.833A>G (NM_014425.2); short protein forms N182S, N278S.
Identifiers: ClinVar variation 1056196 (VCV001056196.7), dbSNP rs1831914143, ClinGen allele CA374361944.

ClinVar aggregate classification (germline): Uncertain significance. Review status: criteria provided, multiple submitters, no conflicts (2 of 4 stars). 2 submissions from 2 submitters: Uncertain significance (2). Last evaluated 2025-08-08.

Conditions:
Inborn genetic diseases. Identifiers: MedGen C0950123, MeSH D030342.
Nephronophthisis. Also called: Juvenile Nephronophthisis. Identifiers: Orphanet 655, MedGen C0687120, MONDO:0019005, HP:0000090.

Allele frequency attached by ClinVar (database versions not stated): gnomAD 0.00001; gnomAD exomes 0.00001; TOPMed 0.00001.
gnomAD v4.1: 10 of 1,611,792 alleles (0.00062%); highest among the groups gnomAD compares: Admixed American, 0.0017%; no homozygotes.

Submissions (2):

Ambry Genetics
Classification: Uncertain significance for Inborn genetic diseases. Last evaluated: 2025-08-08. Review status: criteria provided, single submitter. Criteria: Ambry Variant Classification Scheme 2023. Collection method: clinical testing. Allele origin: germline.

Labcorp Genetics (formerly Invitae), Labcorp
Classification: Uncertain significance for Nephronophthisis. Last evaluated: 2022-02-04. Review status: criteria provided, single submitter. Criteria: Invitae Variant Classification Sherloc (09022015). Collection method: clinical testing. Allele origin: germline.
Comment: This sequence change replaces asparagine, which is neutral and polar, with serine, which is neutral and polar, at codon 278 of the INVS protein (p.Asn278Ser). This variant is not present in population databases (gnomAD no frequency). This variant has not been reported in the literature in individuals affected with INVS-related conditions. ClinVar contains an entry for this variant (Variation ID: 1056196). Algorithms developed to predict the effect of missense changes on protein structure and function are either unavailable or do not agree on the potential impact of this missense change (SIFT: "Deleterious"; PolyPhen-2: "Benign"; Align-GVGD: "Class C45"). Algorithms developed to predict the effect of sequence changes on RNA splicing suggest that this variant may create or strengthen a splice site. In summary, the available evidence is currently insufficient to determine the role of this variant in disease. Therefore, it has been classified as a Variant of Uncertain Significance.